The following is an entry in ClinVar:

NM_001220.5(CAMK2B):c.161-2A>G

Gene: CAMK2B (calcium/calmodulin dependent protein kinase II beta; minus strand). Cytogenetic location: 7p13.
Variant type: single nucleotide variant.
Coding change: c.161-2A>G on transcript NM_001220.5 (MANE Select); the canonical splice acceptor site of the intron before coding-DNA position 161, A replaced by G.
Molecular consequence: splice acceptor variant.
Genome position (GRCh38, 1-based): chr7:44,263,066, T>C on the plus strand (A>G on the coding strand, the complement: CAMK2B is on the minus strand). VCF-style: chr7-44263066-T-C. GRCh37 (hg19) VCF-style: chr7-44302665-T-C.
Other names: c.161-2A>G (NM_172084.3, NM_172080.3, NM_172083.3 and 5 more transcripts).
Identifiers: ClinVar variation 4976486 (VCV004976486.1).

ClinVar aggregate classification (germline): Uncertain significance (1 of 4 stars; one submission).

Submission:

GeneDx
Classification: Uncertain significance. Last evaluated: 2026-02-19. Review status: criteria provided, single submitter. Criteria: GeneDx Variant Classification Process June 2021. Collection method: clinical testing. Allele origin: germline.
Comment: Not observed at significant frequency in large population cohorts (gnomAD); Canonical splice site variant with an unclear effect on protein function; Has not been previously published as pathogenic or benign to our knowledge